The following is an entry in ClinVar:

NM_000051.4(ATM):c.7792del (p.Arg2598fs)

Genes: ATM (ATM serine/threonine kinase; plus strand), C11orf65 (chromosome 11 open reading frame 65; minus strand). Cytogenetic location: 11q22.3.
Variant type: Deletion.
Coding change: c.7792del on transcript NM_000051.4 (MANE Select); coding-DNA position 7792, one base deleted (C; older notation c.7792delC).
Protein change: p.Arg2598fs; shifts the reading frame from arginine 2598.
Molecular consequence: frameshift variant. On other transcripts: intron variant (2).
Genome position (GRCh38, 1-based): chr11:108,332,765, C deleted. VCF-style (leftmost placement, unchanged base first): chr11-108332764-TC-T. GRCh37 (hg19) VCF-style: chr11-108203491-TC-T.
Other names: c.7792delC, p.Arg2598Glufs (NM_000051.3); c.7792del, p.Arg2598fs (NM_001351834.2); c.641-23694del (NM_001330368.2); c.*38+2455del (NM_001351110.2); short protein forms R2598fs.
Identifiers: ClinVar variation 654150 (VCV000654150.8), dbSNP rs1591178022, ClinGen allele CA915948299.
Genomic context (GRCh38, chr11:108,332,764, plus strand): 5'-TGAGAAGTTTAAATGTTGGGTAGTTCCTTATGTAATGTTTTTTGTTTTTTATTAATAGGA[TC>T]GAACAGAGGCTGCAAATAGAATAATATGTACTATCAGAAGTAGGAGACCTCAGATGGTCA-3'

ClinVar aggregate classification (germline): Pathogenic/Likely pathogenic. Review status: criteria provided, multiple submitters, no conflicts (2 of 4 stars). 3 submissions from 3 submitters: Pathogenic (2); Likely pathogenic (1). Last evaluated 2025-04-04.

Conditions:
Hereditary cancer-predisposing syndrome. Also called: Tumor predisposition; Hereditary neoplastic syndrome; Neoplastic Syndromes, Hereditary; Hereditary Cancer Syndrome. Identifiers: Orphanet 140162, MedGen C0027672, MeSH D009386, MONDO:0015356.
Ataxia-telangiectasia syndrome (AT). Also called: Ataxia-telangiectasia, complementation group D; AT, COMPLEMENTATION GROUP C; ATAXIA-TELANGIECTASIA, COMPLEMENTATION GROUP A; ATAXIA-TELANGIECTASIA, FRESNO VARIANT; Ataxia-telangiectasia; LOUIS-BAR SYNDROME. Identifiers: Orphanet 100, MedGen C0004135, MONDO:0008840, OMIM 208900.

Submissions (3):

Quest Diagnostics Nichols Institute San Juan Capistrano
Classification: Likely pathogenic. Last evaluated: 2025-04-04. Review status: criteria provided, single submitter. Criteria: Quest Diagnostics criteria. Collection method: clinical testing. Allele origin: unknown.
Comment: The ATM c.7792del (p.Arg2598Glufs*8) variant alters the translational reading frame of the ATM mRNA and is predicted to cause the premature termination of ATM protein synthesis. This variant has not been reported in individuals with ATM-related conditions in the published literature. This variant has not been reported in large, multi-ethnic general populations (Genome Aggregation Database). Based on the available information, this variant is classified as likely pathogenic.

Ambry Genetics
Classification: Pathogenic for Hereditary cancer-predisposing syndrome. Last evaluated: 2024-10-17. Review status: criteria provided, single submitter. Criteria: Ambry Variant Classification Scheme 2023. Collection method: clinical testing. Allele origin: germline.
Comment: The c.7792delC pathogenic mutation, located in coding exon 52 of the ATM gene, results from a deletion of one nucleotide at nucleotide position 7792, causing a translational frameshift with a predicted alternate stop codon (p.R2598Efs*8). This variant is considered to be rare based on population cohorts in the Genome Aggregation Database (gnomAD). This alteration is expected to result in loss of function by premature protein truncation or nonsense-mediated mRNA decay. As such, this alteration is interpreted as a disease-causing mutation.

Labcorp Genetics (formerly Invitae), Labcorp
Classification: Pathogenic for Ataxia-telangiectasia syndrome. Last evaluated: 2024-10-09. Review status: criteria provided, single submitter. Criteria: Invitae Variant Classification Sherloc (09022015). Collection method: clinical testing. Allele origin: germline.
Comment: This sequence change creates a premature translational stop signal (p.Arg2598Glufs*8) in the ATM gene. It is expected to result in an absent or disrupted protein product. Loss-of-function variants in ATM are known to be pathogenic (PMID: 23807571, 25614872). This variant is not present in population databases (gnomAD no frequency). This variant has not been reported in the literature in individuals affected with ATM-related conditions. ClinVar contains an entry for this variant (Variation ID: 654150). Algorithms developed to predict the effect of sequence changes on RNA splicing suggest that this variant may disrupt the consensus splice site. For these reasons, this variant has been classified as Pathogenic.

Literature cited by the submitters: PubMed 23807571 (cited by Labcorp Genetics (formerly Invitae), Labcorp); PubMed 25614872 (cited by Labcorp Genetics (formerly Invitae), Labcorp).